The following is an entry in ClinVar:

NM_001148.6(ANK2):c.11380C>T (p.Pro3794Ser)

Gene: ANK2 (ankyrin 2; plus strand). Cytogenetic location: 4q26.
Variant type: single nucleotide variant.
Coding change: c.11380C>T on transcript NM_001148.6 (MANE Select); coding-DNA position 11380, C replaced by T.
Protein change: p.Pro3794Ser; replaces proline 3794 with serine.
Molecular consequence: missense variant.
Genome position (GRCh38, 1-based): chr4:113,369,575, C>T. VCF-style: chr4-113369575-C-T. GRCh37 (hg19) VCF-style: chr4-114290731-C-T.
Other names: c.4963C>T, p.Pro1655Ser (NM_001354275.2, NM_001354245.2, NM_001354262.2); c.5098C>T, p.Pro1700Ser (NM_001127493.3); c.4939C>T, p.Pro1647Ser (NM_001354276.2, NM_001354249.2, NM_001386162.1 and 2 more transcripts); c.4741C>T, p.Pro1581Ser (NM_001354277.2, NM_001386157.1); c.5137C>T, p.Pro1713Ser (NM_001354225.2); c.2653C>T, p.Pro885Ser (NM_001354278.2, NM_001354281.2); c.5026C>T, p.Pro1676Ser (NM_001354228.2, NM_001354258.2); c.2689C>T, p.Pro897Ser (NM_001354279.2, NM_001354282.2); and 35 more; short protein forms P1700S, P3794S, P1631S, P1634S, P1666S, P1675S, P1688S, P1699S.
Identifiers: ClinVar variation 383061 (VCV000383061.7), dbSNP rs1057521510, ClinGen allele CA16605046.

ClinVar aggregate classification (germline): Uncertain significance. Review status: criteria provided, multiple submitters, no conflicts (2 of 4 stars). 2 submissions from 2 submitters: Uncertain significance (2). Last evaluated 2020-09-15.

Conditions:
Long QT syndrome (LQTS). Identifiers: MedGen C0023976, MeSH D008133, MONDO:0002442. Disease mechanism: loss of function. Inheritance: Various modes of inheritance.

Allele frequency attached by ClinVar (database versions not stated): gnomAD exomes below 0.00001.
gnomAD v4.1: 3 of 1,614,142 alleles (0.00019%); highest among the groups gnomAD compares: South Asian, 0.0011%; no homozygotes.

Submissions (2):

Labcorp Genetics (formerly Invitae), Labcorp
Classification: Uncertain significance for Long QT syndrome. Last evaluated: 2020-09-15. Review status: criteria provided, single submitter. Criteria: Invitae Variant Classification Sherloc (09022015). Collection method: clinical testing. Allele origin: germline.
Comment: In summary, the available evidence is currently insufficient to determine the role of this variant in disease. Therefore, it has been classified as a Variant of Uncertain Significance. Algorithms developed to predict the effect of missense changes on protein structure and function (SIFT, PolyPhen-2, Align-GVGD) all suggest that this variant is likely to be tolerated, but these predictions have not been confirmed by published functional studies and their clinical significance is uncertain. This variant has not been reported in the literature in individuals with ANK2-related conditions. ClinVar contains an entry for this variant (Variation ID: 383061). This variant is not present in population databases (ExAC no frequency). This sequence change replaces proline with serine at codon 3794 of the ANK2 protein (p.Pro3794Ser). The proline residue is weakly conserved and there is a moderate physicochemical difference between proline and serine.

GeneDx
Classification: Uncertain significance. Last evaluated: 2016-01-12. Review status: criteria provided, single submitter. Criteria: GeneDx Variant Classification (06012015). Collection method: clinical testing. Allele origin: germline. Affected: yes.
Comment: A novel variant of uncertain significance has been identified in the ANK2 gene. The P3794S variant has not been published as a pathogenic variant, nor has it been reported as a benign variant to our knowledge. It was not observed in approximately 6,500 individuals of European and African American ancestry in the NHLBI Exome Sequencing Project, indicating it is not a common benign variant in these populations. Furthermore, the P3794S variant is a non-conservative amino acid substitution, which is likely to impact secondary protein structure as these residues differ in polarity, charge, size and/or other properties. Nevertheless, this substitution occurs at a position that is not conserved across species, and no missense variants in nearby residues have been reported in the Human Gene Mutation Database (Stenson et al., 2014), indicating that this region of the gene is not known to harbor disease-causing variants. In silico analysis is inconsistent in its predictions as to whether or not the variant is damaging to the protein structure/function.Therefore, based on the currently available information, it is unclear whether this variant is pathogenic or rare benign.